The following is an entry in ClinVar:

ClinVar aggregate classification (germline): Likely benign (1 of 4 stars; one submission).

Allele frequency attached by ClinVar (database versions not stated): gnomAD 0.00002.
gnomAD v4.1: 4 of 1,208,819 alleles (0.00033%); highest among the groups gnomAD compares: African/African-American, 0.0018%; no homozygotes.

Submission:

CeGaT Center for Human Genetics Tuebingen
Classification: Likely benign. Last evaluated: 2023-02-01. Review status: criteria provided, single submitter. Criteria: CeGaT Center For Human Genetics Tuebingen Variant Classification Criteria Version 2. Collection method: clinical testing. Allele origin: germline. Affected: yes. Observed: 1 variant allele.
Comment: MAP3K15: BP4, BP7

NM_001001671.4(MAP3K15):c.3249G>A (p.Ser1083=)

Gene: MAP3K15 (mitogen-activated protein kinase kinase kinase 15; minus strand). Cytogenetic location: Xp22.12.
Variant type: single nucleotide variant.
Coding change: c.3249G>A on transcript NM_001001671.4 (MANE Select); coding-DNA position 3249, G replaced by A.
Protein change: p.Ser1083=; no amino-acid change (serine 1083 retained).
Molecular consequence: synonymous variant.
Genome position (GRCh38, 1-based): chrX:19,371,390, C>T on the plus strand (G>A on the coding strand, the complement: MAP3K15 is on the minus strand). VCF-style: chrX-19371390-C-T. GRCh37 (hg19) VCF-style: chrX-19389508-C-T.
Identifiers: ClinVar variation 2660127 (VCV002660127.24), dbSNP rs1237428910, ClinGen allele CA515628756.
Genomic context (GRCh38, chrX:19,371,390, plus strand): 5'-AGATGGAGCACTTACGGCATCCTGAAATCCGAACAGCACCAGGTGAATCTGACTGATGGA[C>T]GAGCTGTCAAAGTCCAGGTCCACCTTGAGCTTTGATATTGTGGTCGCCATCACCCGGTGC-3'
Protein context (NP_001001671.3, residues 1073-1093): KLKVDLDFDS[Ser1083=]SISQIHLVLF